The following is an entry in ClinVar:

ClinVar aggregate classification (germline): Uncertain significance (1 of 4 stars; one submission).

Conditions:
Fetal akinesia deformation sequence 1 (FADS1). Also called: Fetal akinesia sequence; Pena-Shokeir syndrome type I. Identifiers: Orphanet 994, MedGen C1276035, MONDO:0100101, OMIM 208150, HP:0001989.
Congenital myasthenic syndrome 11. Also called: MYASTHENIC SYNDROME, CONGENITAL, Ie; Myasthenic syndrome, congenital, 11, associated with acetylcholine receptor deficiency. Identifiers: Orphanet 590, MedGen C4225367, MONDO:0014588, OMIM 616326.

Submission:

Labcorp Genetics (formerly Invitae), Labcorp
Classification: Uncertain significance for Congenital myasthenic syndrome 11; Fetal akinesia deformation sequence 1. Last evaluated: 2022-02-04. Review status: criteria provided, single submitter. Criteria: Invitae Variant Classification Sherloc (09022015). Collection method: clinical testing. Allele origin: germline.
Comment: This sequence change replaces glutamic acid, which is acidic and polar, with glutamine, which is neutral and polar, at codon 357 of the RAPSN protein (p.Glu357Gln). This variant is not present in population databases (gnomAD no frequency). This variant has not been reported in the literature in individuals affected with RAPSN-related conditions. ClinVar contains an entry for this variant (Variation ID: 649382). Algorithms developed to predict the effect of missense changes on protein structure and function are either unavailable or do not agree on the potential impact of this missense change (SIFT: "Deleterious"; PolyPhen-2: "Benign"; Align-GVGD: "Class C0"). In summary, the available evidence is currently insufficient to determine the role of this variant in disease. Therefore, it has been classified as a Variant of Uncertain Significance.

NM_005055.5(RAPSN):c.1069G>C (p.Glu357Gln)

Gene: RAPSN (receptor associated protein of the synapse; minus strand). Cytogenetic location: 11p11.2.
Variant type: single nucleotide variant.
Coding change: c.1069G>C on transcript NM_005055.5 (MANE Select); coding-DNA position 1069, G replaced by C.
Protein change: p.Glu357Gln; replaces glutamic acid 357 with glutamine.
Molecular consequence: missense variant.
Genome position (GRCh38, 1-based): chr11:47,438,829, C>G on the plus strand (G>C on the coding strand, the complement: RAPSN is on the minus strand). VCF-style: chr11-47438829-C-G. GRCh37 (hg19) VCF-style: chr11-47460380-C-G.
Other names: c.892G>C, p.Glu298Gln (NM_032645.5); short protein forms E298Q, E357Q.
Identifiers: ClinVar variation 649382 (VCV000649382.11), dbSNP rs1595896567, ClinGen allele CA380327629.